The following is an entry in ClinVar:

ClinVar aggregate classification (germline): Uncertain significance (1 of 4 stars; one submission).

Conditions:
RASopathy. Also called: Noonan spectrum disorder; rasopathies. Identifiers: Orphanet 536391, MedGen C5555857, MONDO:0021060.

Allele frequency attached by ClinVar (database versions not stated): gnomAD exomes below 0.00001.
gnomAD v4.1: 1 of 1,602,486 alleles (0.000062%); highest among the groups gnomAD compares: Non-Finnish European, 0.000086%; no homozygotes.

Submission:

Labcorp Genetics (formerly Invitae), Labcorp
Classification: Uncertain significance for RASopathy. Last evaluated: 2019-01-29. Review status: criteria provided, single submitter. Criteria: Invitae Variant Classification Sherloc (09022015). Collection method: clinical testing. Allele origin: germline.
Comment: This sequence change affects codon 141 of the RAF1 mRNA. It is a 'silent' change, meaning that it does not change the encoded amino acid sequence of the RAF1 protein. This variant is not present in population databases (ExAC no frequency). In summary, the available evidence is currently insufficient to determine the role of this variant in disease. Therefore, it has been classified as a Variant of Uncertain Significance. Algorithms developed to predict the effect of sequence changes on RNA splicing suggest that this variant is not likely to affect RNA splicing, but this prediction has not been confirmed by published transcriptional studies. This variant has not been reported in the literature in individuals with RAF1-related conditions.

NM_002880.4(RAF1):c.423T>C (p.Phe141=)

Gene: RAF1 (Raf-1 proto-oncogene, serine/threonine kinase; minus strand). Cytogenetic location: 3p25.2.
Variant type: single nucleotide variant.
Coding change: c.423T>C on transcript NM_002880.4 (MANE Select); coding-DNA position 423, T replaced by C.
Protein change: p.Phe141=; no amino-acid change (phenylalanine 141 retained).
Molecular consequence: synonymous variant. On other transcripts: non-coding transcript variant (3).
Genome position (GRCh38, 1-based): chr3:12,609,233, A>G on the plus strand (T>C on the coding strand, the complement: RAF1 is on the minus strand). VCF-style: chr3-12609233-A-G. GRCh37 (hg19) VCF-style: chr3-12650732-A-G.
Other names: c.423T>C, p.Phe141= (NM_001354689.3, NM_001354690.3, NM_001354693.3); c.180T>C, p.Phe60= (NM_001354691.3, NM_001354692.3, NM_001354694.3 and 1 more transcripts).
Identifiers: ClinVar variation 836329 (VCV000836329.9), dbSNP rs2059134982, ClinGen allele CA432276638.